The following is an entry in ClinVar:

NM_015136.3(STAB1):c.4712C>T (p.Thr1571Ile)

Gene: STAB1 (stabilin 1; plus strand). Cytogenetic location: 3p21.1.
Variant type: single nucleotide variant.
Coding change: c.4712C>T on transcript NM_015136.3 (MANE Select); coding-DNA position 4712, C replaced by T.
Protein change: p.Thr1571Ile; replaces threonine 1571 with isoleucine.
Molecular consequence: missense variant.
Genome position (GRCh38, 1-based): chr3:52,517,954, C>T. VCF-style: chr3-52517954-C-T. GRCh37 (hg19) VCF-style: chr3-52551970-C-T.
Other names: short protein forms T1571I.
Identifiers: ClinVar variation 2653895 (VCV002653895.24), dbSNP rs373929307, ClinGen allele CA2441870.

ClinVar aggregate classification (germline): Likely benign (1 of 4 stars; one submission).

Allele frequency attached by ClinVar (database versions not stated): ESP Exome Variant Server 0.00008; TOPMed 0.00009; gnomAD 0.00025; gnomAD exomes 0.00032; ExAC 0.00071; 1000 Genomes Project 0.00180; 1000 Genomes Project 30x 0.00203.
gnomAD v4.1: 506 of 1,609,040 alleles (0.031%); highest among the groups gnomAD compares: South Asian, 0.47%; 8 homozygotes.

Submission:

CeGaT Center for Human Genetics Tuebingen
Classification: Likely benign. Last evaluated: 2023-10-01. Review status: criteria provided, single submitter. Criteria: CeGaT Center For Human Genetics Tuebingen Variant Classification Criteria Version 2. Collection method: clinical testing. Allele origin: germline. Affected: yes. Observed: 1 variant allele.
Comment: STAB1: BP4, BS1